The following is an entry in ClinVar:

ClinVar aggregate classification (germline): Uncertain significance (1 of 4 stars; one submission).

Submission:

Labcorp Genetics (formerly Invitae), Labcorp
Classification: Uncertain significance. Last evaluated: 2022-01-17. Review status: criteria provided, single submitter. Criteria: Invitae Variant Classification Sherloc (09022015). Collection method: clinical testing. Allele origin: germline.
Comment: This sequence change replaces alanine, which is neutral and non-polar, with proline, which is neutral and non-polar, at codon 66 of the TTPA protein (p.Ala66Pro). This variant is not present in population databases (gnomAD no frequency). This variant has not been reported in the literature in individuals affected with TTPA-related conditions. Algorithms developed to predict the effect of missense changes on protein structure and function are either unavailable or do not agree on the potential impact of this missense change (SIFT: "Deleterious"; PolyPhen-2: "Probably Damaging"; Align-GVGD: "Class C0"). In summary, the available evidence is currently insufficient to determine the role of this variant in disease. Therefore, it has been classified as a Variant of Uncertain Significance.

NM_000370.3(TTPA):c.196G>C (p.Ala66Pro)

Gene: TTPA (alpha tocopherol transfer protein; minus strand). Cytogenetic location: 8q12.3.
Variant type: single nucleotide variant.
Coding change: c.196G>C on transcript NM_000370.3 (MANE Select); coding-DNA position 196, G replaced by C.
Protein change: p.Ala66Pro; replaces alanine 66 with proline.
Molecular consequence: missense variant.
Genome position (GRCh38, 1-based): chr8:63,085,826, C>G on the plus strand (G>C on the coding strand, the complement: TTPA is on the minus strand). VCF-style: chr8-63085826-C-G. GRCh37 (hg19) VCF-style: chr8-63998385-C-G.
Other names: c.196G>C, p.Ala66Pro (NM_001413414.1, NM_001413415.1, NM_001413416.1 and 2 more transcripts); short protein forms A66P.
Identifiers: ClinVar variation 2086939 (VCV002086939.1), dbSNP rs2129795403, ClinGen allele CA371403364.